The following continues an entry in ClinVar:

NM_000540.3(RYR1):c.12083C>T (p.Ser4028Leu)

Gene: RYR1. ClinVar aggregate classification (germline): Conflicting classifications of pathogenicity. Pathogenic (10); Likely pathogenic (3); Uncertain significance (2).

Submissions 11 to 16 of 16:

Women's Health and Genetics/Laboratory Corporation of America, LabCorp
Classification: Pathogenic for Congenital multicore myopathy with external ophthalmoplegia. Last evaluated: 2023-01-11. Review status: criteria provided, single submitter. Criteria: LabCorp Variant Classification Summary - May 2015. Collection method: clinical testing. Allele origin: germline.
Comment: Variant summary: RYR1 c.12083C>T (p.Ser4028Leu) results in a non-conservative amino acid change in the encoded protein sequence. Three of five in-silico tools predict a damaging effect of the variant on protein function. The variant was absent in 251464 control chromosomes (gnomAD). c.12083C>T has been reported in the literature in multiple individuals affected with Congenital Myopathy and was shown to segregate with the disease in dominant families or to occur de novo in sporadic cases (e.g. Dai_2015, Kushnir_2020, Biancalana_2021, Natera-de Benito_2021). These data indicate that the variant is very likely to be associated with disease. Experimental evidence evaluating an impact on protein function demonstrated the variant increased channel oxidation and reduced RyR1-calstabin1 binding, and was consistent with leaky channel behavior (Kushnir_2020, Yuan_2021). Three ClinVar submitters (evaluation after 2014) cite the variant as pathogenic/likely pathogenic and one ClinVar submitter (evaluation after 2014) cites it as uncertain significance. Based on the evidence outlined above, the variant was classified as pathogenic.

Kariminejad - Najmabadi Pathology & Genetics Center
Classification: Likely pathogenic for Central core myopathy. Last evaluated: 2022-06-12. Review status: criteria provided, single submitter. Criteria: ACMG Guidelines, 2015. Collection method: clinical testing. Allele origin: germline. Inheritance: Autosomal dominant inheritance. Affected: yes.
Comment: Not Provided

MGZ Medical Genetics Center
Classification: Likely pathogenic for Central core myopathy. Last evaluated: 2022-04-11. Review status: criteria provided, single submitter. Criteria: ACMG Guidelines, 2015. Collection method: clinical testing. Allele origin: germline. Affected: yes. Observed: 1 variant allele.
Comment: ACMG criteria applied: PP1_STR, PS4_MOD, PM6, PM2_SUP

PreventionGenetics, part of Exact Sciences
Classification: Pathogenic. Last evaluated: 2021-10-04. Review status: criteria provided, single submitter. Criteria: ACMG Guidelines, 2015. Collection method: clinical testing. Allele origin: germline.

Baylor Genetics
Classification: Likely pathogenic for Malignant hyperthermia, susceptibility to, 1. Last evaluated: 2021-02-10. Review status: criteria provided, single submitter. Criteria: ACMG Guidelines, 2015. Collection method: clinical testing. Allele origin: unknown.

Eurofins Ntd Llc (ga)
Classification: Uncertain significance. Last evaluated: 2015-09-25. Review status: flagged submission. Criteria: EGL Classification Definitions 2015. Collection method: clinical testing. Allele origin: germline. Observed: 1 variant allele, 1 heterozygote. Not counted in ClinVar's aggregate classification.
ClinVar note: Reason: Older and outlier claim with insufficient supporting evidence

Literature cited by the submitters: PubMed 32236737 (cited by 4 submitters); PubMed 25987458 (cited by 5 submitters); PubMed 27447704 (cited by 3 submitters); PubMed 31127727 (cited by Rady Children's Institute for Genomic Medicine, Rady Children's Hospital San Diego); PubMed 34535181 (cited by 5 submitters); PubMed 33333461 (cited by 3 submitters); PubMed 34463354 (cited by Rady Children's Institute for Genomic Medicine, Rady Children's Hospital San Diego and Women's Health and Genetics/Laboratory Corporation of America, LabCorp); PubMed 34809703 (cited by 3 submitters); PubMed 12565913 (cited by Ambry Genetics).